The following is an entry in ClinVar:

NM_006445.4(PRPF8):c.6955C>T (p.Leu2319Phe)

Gene: PRPF8 (pre-mRNA processing factor 8; minus strand). Cytogenetic location: 17p13.3.
Variant type: single nucleotide variant.
Coding change: c.6955C>T on transcript NM_006445.4 (MANE Select); coding-DNA position 6955, C replaced by T.
Protein change: p.Leu2319Phe; replaces leucine 2319 with phenylalanine.
Molecular consequence: missense variant.
Genome position (GRCh38, 1-based): chr17:1,650,855, G>A on the plus strand (C>T on the coding strand, the complement: PRPF8 is on the minus strand). VCF-style: chr17-1650855-G-A. GRCh37 (hg19) VCF-style: chr17-1554149-G-A.
Other names: short protein forms L2319F.
Identifiers: ClinVar variation 1052514 (VCV001052514.6), dbSNP rs925931390, ClinGen allele CA286849510.

ClinVar aggregate classification (germline): Uncertain significance. Review status: criteria provided, multiple submitters, no conflicts (2 of 4 stars). 2 submissions from 2 submitters: Uncertain significance (2). Last evaluated 2025-04-09.

Allele frequency attached by ClinVar (database versions not stated): gnomAD 0.00001; gnomAD exomes 0.00001; TOPMed 0.00010.
gnomAD v4.1: 5 of 1,614,074 alleles (0.00031%); highest among the groups gnomAD compares: Admixed American, 0.0083%; no homozygotes.

Submissions (2):

Labcorp Genetics (formerly Invitae), Labcorp
Classification: Uncertain significance. Last evaluated: 2025-04-09. Review status: criteria provided, single submitter. Criteria: Invitae Variant Classification Sherloc (09022015). Collection method: clinical testing. Allele origin: germline.
Comment: This sequence change replaces leucine, which is neutral and non-polar, with phenylalanine, which is neutral and non-polar, at codon 2319 of the PRPF8 protein (p.Leu2319Phe). This variant is present in population databases (no rsID available, gnomAD 0.003%). This variant has not been reported in the literature in individuals affected with PRPF8-related conditions. ClinVar contains an entry for this variant (Variation ID: 1052514). Invitae Evidence Modeling of protein sequence and biophysical properties (such as structural, functional, and spatial information, amino acid conservation, physicochemical variation, residue mobility, and thermodynamic stability) indicates that this missense variant is not expected to disrupt PRPF8 protein function with a negative predictive value of 80%. In summary, the available evidence is currently insufficient to determine the role of this variant in disease. Therefore, it has been classified as a Variant of Uncertain Significance.

Blueprint Genetics
Classification: Uncertain significance. Last evaluated: 2022-05-01. Review status: criteria provided, single submitter. Criteria: ACMG Guidelines, 2015. Collection method: clinical testing. Allele origin: germline.